The following is an entry in ClinVar:

NM_001077653.2(TBX20):c.364A>G (p.Ile122Val)

Gene: TBX20 (T-box transcription factor 20; minus strand). Cytogenetic location: 7p14.2.
Variant type: single nucleotide variant.
Coding change: c.364A>G on transcript NM_001077653.2 (MANE Select); coding-DNA position 364, A replaced by G.
Protein change: p.Ile122Val; replaces isoleucine 122 with valine.
Molecular consequence: missense variant.
Genome position (GRCh38, 1-based): chr7:35,249,967, T>C on the plus strand (A>G on the coding strand, the complement: TBX20 is on the minus strand). VCF-style: chr7-35249967-T-C. GRCh37 (hg19) VCF-style: chr7-35289579-T-C.
Other names: c.364A>G, p.Ile122Val (NM_001166220.1); short protein forms I122V.
Identifiers: ClinVar variation 1471934 (VCV001471934.6), dbSNP rs754175462, ClinGen allele CA4217536.

ClinVar aggregate classification (germline): Uncertain significance (1 of 4 stars; one submission).

Allele frequency attached by ClinVar (database versions not stated): TOPMed below 0.00001; gnomAD 0.00001; gnomAD exomes 0.00001 and 0.00002; ExAC 0.00003.
gnomAD v4.1: 34 of 1,607,138 alleles (0.0021%); highest among the groups gnomAD compares: Non-Finnish European, 0.0028%; no homozygotes.

Submission:

Labcorp Genetics (formerly Invitae), Labcorp
Classification: Uncertain significance. Last evaluated: 2025-06-10. Review status: criteria provided, single submitter. Criteria: Invitae Variant Classification Sherloc (09022015). Collection method: clinical testing. Allele origin: germline.
Comment: This sequence change replaces isoleucine, which is neutral and non-polar, with valine, which is neutral and non-polar, at codon 122 of the TBX20 protein (p.Ile122Val). This variant is present in population databases (rs754175462, gnomAD 0.003%). This missense change has been observed in individual(s) with tetralogy of Fallot (PMID: 25093829). ClinVar contains an entry for this variant (Variation ID: 1471934). Invitae Evidence Modeling of protein sequence and biophysical properties (such as structural, functional, and spatial information, amino acid conservation, physicochemical variation, residue mobility, and thermodynamic stability) indicates that this missense variant is not expected to disrupt TBX20 protein function with a negative predictive value of 80%. In summary, the available evidence is currently insufficient to determine the role of this variant in disease. Therefore, it has been classified as a Variant of Uncertain Significance.

Literature cited by the submitters: PubMed 25093829.